The following continues an entry in ClinVar:

NM_000018.4(ACADVL):c.664G>A (p.Gly222Arg)

Gene: ACADVL. ClinVar aggregate classification (germline): Likely pathogenic. Likely pathogenic (1).

Submissions 11 to 15 of 15:

ARUP Laboratories, Molecular Genetics and Genomics, ARUP Laboratories
Classification: Pathogenic for Very long chain acyl-CoA dehydrogenase deficiency. Last evaluated: 2019-09-11. Review status: criteria provided, single submitter. Criteria: ARUP Molecular Germline Variant Investigation Process. Collection method: clinical testing. Allele origin: germline. Not counted in ClinVar's aggregate classification.
Comment: The ACADVL c.664G>A; p.Gly222Arg variant (rs398123091) is reported in the literature in the homozygous or compound heterozygous state in individuals affected with very long-chain acyl-CoA dehydrogenase deficiency (VLCADD) (Gobin-Limballe 2010, Voermans 2006). This variant is reported as likely pathogenic by multiple laboratories in ClinVar (Variation ID: 92289), and is only observed on three alleles in the Genome Aggregation Database, indicating it is not a common polymorphism. The glycine at codon 222 is highly conserved, and computational analyses (SIFT, PolyPhen-2) predict that this variant is deleterious. Additionally, another variant at this nucleotide position (c.664G>C; p.Gly222Arg) has been reported in individuals with VLCADD (Zhang 2014). Glycine 222 is part of a conserved GSD segment critical for cofactor binding, and p.G222R is predicted to disrupt this interaction (Gobin-Limballe 2010). Furthermore, in vitro functional analyses demonstrate reduced ACADVL protein levels (Gobin-Limballe 2010). Based on available information, the c.664G>A; p.Gly222Arg variant is considered to be pathogenic. References: Gobin-Limballe S et al. Compared effects of missense mutations in Very-Long-Chain Acyl-CoA Dehydrogenase deficiency: Combined analysis by structural, functional and pharmacological approaches. Biochim Biophys Acta. 2010 May;1802(5):478-84. Voermans NC et al. Rhabdomyolysis caused by an inherited metabolic disease: very long-chain acyl-CoA dehydrogenase deficiency. Am J Med. 2006 Feb;119(2):176-9. Zhang RN et al. Clinical features and mutations in seven Chinese patients with very long chain acyl-CoA dehydrogenase deficiency. World J Pediatr. 2014 May;10(2):119-25.

Eurofins Ntd Llc (ga)
Classification: Likely pathogenic. Last evaluated: 2017-08-31. Review status: criteria provided, single submitter. Criteria: EGL Classification Definitions 2015. Collection method: clinical testing. Allele origin: germline. Observed: 1 variant allele, 1 heterozygote. Not counted in ClinVar's aggregate classification.

Center for Pediatric Genomic Medicine, Children's Mercy Hospital and Clinics
Classification: Likely pathogenic. Last evaluated: 2014-06-27. Review status: criteria provided, single submitter. Criteria: ACMG Guidelines, 2015. Collection method: clinical testing. Allele origin: germline. Not counted in ClinVar's aggregate classification.

PreventionGenetics, part of Exact Sciences
Classification: Likely pathogenic for ACADVL-related condition. Last evaluated: 2024-08-14. Review status: no assertion criteria provided. Collection method: clinical testing. Allele origin: germline. Not counted in ClinVar's aggregate classification.
Comment: The ACADVL c.664G>A variant is predicted to result in the amino acid substitution p.Gly222Arg. This variant has been reported in the homozygous state or along with a second ACADVL variant in individuals with very long chain acyl-CoA dehydrogenase deficiency (VLCADD). At least one of these individuals was reported to present with mild clinical features (Gobin-Limballe et al. 2010. PubMed ID: 20060901; Voermans et al. 2006. PubMed ID: 16443431; Bastin et al. 2011. PubMed ID: 21378393; Li et al. 2015. PubMed ID: 25652019). Analyses of fibroblast cells from a patient homozygous for the c.664G>A (p.Gly222Arg) substitution showed greatly reduced fatty acid oxidation and ACADVL protein levels (Gobin-Limballe et al. 2010. PubMed ID: 20060901). A different nucleotide substitution resulting in the same amino acid substitution (c.664G>C, p.Gly222Arg) has also been reported in association with VLCADD (Zhang et al. 2014. PubMed ID: 24801231; Li et al. 2015. PubMed ID: 25652019). In ClinVar this variant is interpreted as likely pathogenic and pathogenic. This variant is reported in 0.0033% of alleles in individuals of South Asian descent in gnomAD. This variant is interpreted as likely pathogenic.

Counsyl
Classification: Likely pathogenic for Very long chain acyl-CoA dehydrogenase deficiency. Last evaluated: 2014-08-21. Review status: no assertion criteria provided. Collection method: literature only. Allele origin: unknown. Inheritance: Autosomal recessive inheritance. Not counted in ClinVar's aggregate classification.

Literature cited by the submitters: PubMed 20060901 (cited by 4 submitters); PubMed 25652019 (cited by Labcorp Genetics (formerly Invitae), Labcorp and Women's Health and Genetics/Laboratory Corporation of America, LabCorp); PubMed 26182500 (cited by Labcorp Genetics (formerly Invitae), Labcorp); PubMed 32820518 (cited by Natera, Inc.); PubMed 17999356 (cited by Natera, Inc.); PubMed 26385305 (cited by Women's Health and Genetics/Laboratory Corporation of America, LabCorp); PubMed 33150772 (cited by Women's Health and Genetics/Laboratory Corporation of America, LabCorp); PubMed 16443431 (cited by Women's Health and Genetics/Laboratory Corporation of America, LabCorp and Counsyl); PubMed 24898617 (cited by Counsyl); PubMed 24801231 (cited by Counsyl); PubMed 21378393 (cited by Counsyl).